The following is an entry in ClinVar:

ClinVar aggregate classification (germline): Uncertain significance (1 of 4 stars; one submission).

Conditions:
Brugada syndrome 8 (BRGDA8). Identifiers: Orphanet 130, MedGen C2751083, MONDO:0013148, OMIM 613123.

Submission:

Labcorp Genetics (formerly Invitae), Labcorp
Classification: Uncertain significance for Brugada syndrome 8. Last evaluated: 2022-08-06. Review status: criteria provided, single submitter. Criteria: Invitae Variant Classification Sherloc (09022015). Collection method: clinical testing. Allele origin: germline.
Comment: This variant has not been reported in the literature in individuals affected with HCN4-related conditions. In summary, the available evidence is currently insufficient to determine the role of this variant in disease. Therefore, it has been classified as a Variant of Uncertain Significance. Advanced modeling of protein sequence and biophysical properties (such as structural, functional, and spatial information, amino acid conservation, physicochemical variation, residue mobility, and thermodynamic stability) performed at Invitae indicates that this missense variant is not expected to disrupt HCN4 protein function. This variant is not present in population databases (gnomAD no frequency). This sequence change replaces glycine, which is neutral and non-polar, with alanine, which is neutral and non-polar, at codon 820 of the HCN4 protein (p.Gly820Ala).

NM_005477.3(HCN4):c.2459G>C (p.Gly820Ala)

Gene: HCN4 (hyperpolarization activated cyclic nucleotide gated potassium channel 4; minus strand). Cytogenetic location: 15q24.1.
Variant type: single nucleotide variant.
Coding change: c.2459G>C on transcript NM_005477.3 (MANE Select); coding-DNA position 2459, G replaced by C.
Protein change: p.Gly820Ala; replaces glycine 820 with alanine.
Molecular consequence: missense variant.
Genome position (GRCh38, 1-based): chr15:73,323,634, C>G on the plus strand (G>C on the coding strand, the complement: HCN4 is on the minus strand). VCF-style: chr15-73323634-C-G. GRCh37 (hg19) VCF-style: chr15-73615975-C-G.
Other names: short protein forms G820A.
Identifiers: ClinVar variation 1715316 (VCV001715316.5), dbSNP rs2549068986, ClinGen allele CA393088854.
Genomic context (GRCh38, chr15:73,323,634, plus strand): 5'-GCGGAGCCCAGCGCAGAAGGGATCAGGGACTGCAGCCGTTTCAGGTGCCTTGGCGTCTGC[C>G]CGGCACCGAGGTTGCCCAGCCCAGATCCTGGGGGAGGGCGGAAGATGGCAGCAGGCAGGC-3'
Protein context (NP_005468.1, residues 810-830): PGSGLGNLGA[Gly820Ala]QTPRHLKRLQ